The following is an entry in ClinVar:

NM_004333.6(BRAF):c.523G>T (p.Val175Phe)

Gene: BRAF (B-Raf proto-oncogene, serine/threonine kinase; minus strand). Cytogenetic location: 7q34.
Variant type: single nucleotide variant.
Coding change: c.523G>T on transcript NM_004333.6 (MANE Select); coding-DNA position 523, G replaced by T.
Protein change: p.Val175Phe; replaces valine 175 with phenylalanine.
Molecular consequence: missense variant.
Genome position (GRCh38, 1-based): chr7:140,808,977, C>A on the plus strand (G>T on the coding strand, the complement: BRAF is on the minus strand). VCF-style: chr7-140808977-C-A. GRCh37 (hg19) VCF-style: chr7-140508777-C-A.
Other names: c.523G>T, p.Val175Phe (NM_001354609.2, NM_001374244.1, NM_001374258.1 and 5 more transcripts); c.421G>T, p.Val141Phe (NM_001378470.1); c.367G>T, p.Val123Phe (NM_001378472.1, NM_001378473.1); c.259G>T, p.Val87Phe (NM_001378475.1); short protein forms V175F, V123F, V141F, V87F.
Identifiers: ClinVar variation 496228 (VCV000496228.1), dbSNP rs1554404622, ClinGen allele CA369591883.

ClinVar aggregate classification (germline): Uncertain significance (1 of 4 stars; one submission).

Submission:

Women's Health and Genetics/Laboratory Corporation of America, LabCorp
Classification: Uncertain significance. Last evaluated: 2017-04-17. Review status: criteria provided, single submitter. Criteria: LabCorp Variant Classification Summary - May 2015. Collection method: clinical testing. Allele origin: germline.
Comment: Variant summary: The BRAF c.523G>T (p.Val175Phe) variant involves the alteration of a conserved nucleotide, is predicted to be damaging by 3/4 in silico tools (SNPs&GO not captured due to low reliability index) and is present in Raf-like Ras-binding domain in the protein (InterPro). This variant is absent in 121220 control chromosomes from ExAC. The variant of interest has not, to our knowledge, been reported in affected individuals via publications and/or reputable databases/clinical diagnostic laboratories; nor evaluated for functional impact by in vivo/vitro studies. Because of the absence of clinical information and the lack of functional studies, the variant is classified as a variant of uncertain significance (VUS) until additional information becomes available.